The following is an entry in ClinVar:

ClinVar aggregate classification (germline): Uncertain significance. Review status: criteria provided, multiple submitters, no conflicts (2 of 4 stars). 3 submissions from 3 submitters: Uncertain significance (3). Last evaluated 2022-09-08.

Conditions:
Inborn genetic diseases. Identifiers: MedGen C0950123, MeSH D030342.

Allele frequency attached by ClinVar (database versions not stated): gnomAD 0.00001 and 0.00002; gnomAD exomes 0.00002; TOPMed 0.00002.
gnomAD v4.1: 26 of 1,613,396 alleles (0.0016%); highest among the groups gnomAD compares: Non-Finnish European, 0.0021%; no homozygotes.

Submissions (3):

Mayo Clinic Laboratories, Mayo Clinic
Classification: Uncertain significance. Last evaluated: 2022-09-08. Review status: criteria provided, single submitter. Criteria: ACMG Guidelines, 2015. Collection method: clinical testing. Allele origin: germline. Observed: 1 variant allele.
Comment: PP3, PM2

Ambry Genetics
Classification: Uncertain significance for Inborn genetic diseases. Last evaluated: 2022-07-13. Review status: criteria provided, single submitter. Criteria: Ambry Variant Classification Scheme 2023. Collection method: clinical testing. Allele origin: germline.

Labcorp Genetics (formerly Invitae), Labcorp
Classification: Uncertain significance. Last evaluated: 2021-10-22. Review status: criteria provided, single submitter. Criteria: Invitae Variant Classification Sherloc (09022015). Collection method: clinical testing. Allele origin: germline.
Comment: This variant is not present in population databases (ExAC no frequency). In summary, the available evidence is currently insufficient to determine the role of this variant in disease. Therefore, it has been classified as a Variant of Uncertain Significance. Algorithms developed to predict the effect of missense changes on protein structure and function (SIFT, PolyPhen-2, Align-GVGD) all suggest that this variant is likely to be disruptive. This variant has not been reported in the literature in individuals affected with LARS2-related conditions. This sequence change replaces glycine with serine at codon 224 of the LARS2 protein (p.Gly224Ser). The glycine residue is highly conserved and there is a small physicochemical difference between glycine and serine.

NM_015340.4(LARS2):c.670G>A (p.Gly224Ser)

Gene: LARS2 (leucyl-tRNA synthetase 2, mitochondrial; plus strand). Cytogenetic location: 3p21.31.
Variant type: single nucleotide variant.
Coding change: c.670G>A on transcript NM_015340.4 (MANE Select); coding-DNA position 670, G replaced by A.
Protein change: p.Gly224Ser; replaces glycine 224 with serine.
Molecular consequence: missense variant.
Genome position (GRCh38, 1-based): chr3:45,458,806, G>A. VCF-style: chr3-45458806-G-A. GRCh37 (hg19) VCF-style: chr3-45500298-G-A.
Other names: p.Gly224Ser; c.670G>A (NM_015340.3); c.670G>A, p.Gly224Ser (NM_001368263.1); short protein forms G224S.
Identifiers: ClinVar variation 1505205 (VCV001505205.8), dbSNP rs1301996518, ClinGen allele CA352422353.